The following is an entry in ClinVar:

NM_000283.4(PDE6B):c.1094T>C (p.Met365Thr)

Gene: PDE6B (phosphodiesterase 6B; plus strand). Cytogenetic location: 4p16.3.
Variant type: single nucleotide variant.
Coding change: c.1094T>C on transcript NM_000283.4 (MANE Select); coding-DNA position 1094, T replaced by C.
Protein change: p.Met365Thr; replaces methionine 365 with threonine.
Molecular consequence: missense variant. On other transcripts: intron variant (1).
Genome position (GRCh38, 1-based): chr4:656,279, T>C. VCF-style: chr4-656279-T-C. GRCh37 (hg19) VCF-style: chr4-650068-T-C.
Other names: c.1094T>C, p.Met365Thr (NM_001145291.2); c.257T>C, p.Met86Thr (NM_001145292.2, NM_001350154.3, NM_001379246.1 and 1 more transcripts); c.-48-595T>C (NM_001350155.3); short protein forms M365T, M86T.
Identifiers: ClinVar variation 1485423 (VCV001485423.7), dbSNP rs2109209965, ClinGen allele CA355912916.

ClinVar aggregate classification (germline): Uncertain significance. Review status: criteria provided, multiple submitters, no conflicts (2 of 4 stars). 2 submissions from 2 submitters: Uncertain significance (2). Last evaluated 2021-10-29.

Allele frequency attached by ClinVar (database versions not stated): gnomAD exomes below 0.00001.
gnomAD v4.1: 1 of 1,588,150 alleles (0.000063%); highest among the groups gnomAD compares: Non-Finnish European, 0.000086%; no homozygotes.

Submissions (2):

Labcorp Genetics (formerly Invitae), Labcorp
Classification: Uncertain significance. Last evaluated: 2021-10-29. Review status: criteria provided, single submitter. Criteria: Invitae Variant Classification Sherloc (09022015). Collection method: clinical testing. Allele origin: germline.
Comment: In summary, the available evidence is currently insufficient to determine the role of this variant in disease. Therefore, it has been classified as a Variant of Uncertain Significance. Algorithms developed to predict the effect of missense changes on protein structure and function output the following: SIFT: "Tolerated"; PolyPhen-2: "Benign"; Align-GVGD: "Class C0". The threonine amino acid residue is found in multiple mammalian species, which suggests that this missense change does not adversely affect protein function. This variant has not been reported in the literature in individuals affected with PDE6B-related conditions. This variant is not present in population databases (gnomAD no frequency). This sequence change replaces methionine, which is neutral and non-polar, with threonine, which is neutral and polar, at codon 365 of the PDE6B protein (p.Met365Thr).

Blueprint Genetics
Classification: Uncertain significance. Last evaluated: 2021-09-28. Review status: criteria provided, single submitter. Criteria: ACMG Guidelines, 2015. Collection method: clinical testing. Allele origin: germline.